The following is an entry in ClinVar:

ClinVar aggregate classification (germline): Pathogenic/Likely pathogenic. Review status: criteria provided, multiple submitters, no conflicts (2 of 4 stars). 2 submissions from 2 submitters: Pathogenic (1); Likely pathogenic (1). Last evaluated 2025-10-27.

Conditions:
Arrhythmogenic right ventricular dysplasia 11. Also called: Arrhythmogenic right ventricular dysplasia 11 with mild palmoplantar keratoderma and woolly hair; Arrhythmogenic Right Ventricular Dysplasia/Cardiomyopathy11; ARRHYTHMOGENIC RIGHT VENTRICULAR DYSPLASIA, FAMILIAL, 11. Identifiers: MedGen C1864850, MONDO:0012506, OMIM 610476.

Submissions (2):

GeneDx
Classification: Likely pathogenic. Last evaluated: 2025-10-27. Review status: criteria provided, single submitter. Criteria: GeneDx Variant Classification Process June 2021. Collection method: clinical testing. Allele origin: germline. Affected: yes.
Comment: Identified via whole exome sequencing in one individual without a known diagnosis of ARVC in the published literature, but additional clinical information was not provided (PMID: 31638835); Not observed at significant frequency in large population cohorts (gnomAD); Nonsense variant predicted to result in protein truncation or nonsense mediated decay in a gene for which loss of function is a known mechanism of disease; This variant is associated with the following publications: (PMID: 31638835)

Labcorp Genetics (formerly Invitae), Labcorp
Classification: Pathogenic for Arrhythmogenic right ventricular dysplasia 11. Last evaluated: 2023-03-10. Review status: criteria provided, single submitter. Criteria: Invitae Variant Classification Sherloc (09022015). Collection method: clinical testing. Allele origin: germline.
Comment: For these reasons, this variant has been classified as Pathogenic. ClinVar contains an entry for this variant (Variation ID: 1338897). This sequence change creates a premature translational stop signal (p.Trp10*) in the DSC2 gene. It is expected to result in an absent or disrupted protein product. Loss-of-function variants in DSC2 are known to be pathogenic (PMID: 23911551). This variant is not present in population databases (gnomAD no frequency). This variant has not been reported in the literature in individuals affected with DSC2-related conditions.

Literature cited by the submitters: PubMed 23911551 (cited by Labcorp Genetics (formerly Invitae), Labcorp).

NM_024422.6(DSC2):c.30G>A (p.Trp10Ter)

Genes: DSCAS (DSC1/DSC2 antisense RNA; plus strand), DSC2 (desmocollin 2; minus strand). Cytogenetic location: 18q12.1.
Variant type: single nucleotide variant.
Coding change: c.30G>A on transcript NM_024422.6 (MANE Select); coding-DNA position 30, G replaced by A.
Protein change: p.Trp10Ter; replaces tryptophan 10 with a stop codon.
Molecular consequence: nonsense.
Genome position (GRCh38, 1-based): chr18:31,101,942, C>T on the plus strand (G>A on the coding strand, the complement: DSC2 is on the minus strand). VCF-style: chr18-31101942-C-T. GRCh37 (hg19) VCF-style: chr18-28681905-C-T.
Other names: c.30G>A, p.Trp10Ter (NM_004949.5); short protein forms W10*.
Identifiers: ClinVar variation 1338897 (VCV001338897.9), dbSNP rs1555641322, ClinGen allele CA402115277.
Genomic context (GRCh38, chr18:31,101,942, plus strand): 5'-GGTGGCCGCGGCTACACTCACCGCGAGGGTCAGCAGGAGCAGCCGGCAGAGGGCTCCGTT[C>T]CAGGAGCCGGAGGGGCGGGCTGCCTCCATGGAGAGGGCTCGGGGCAGGTCGCGGGCCGAG-3'